The following is an entry in ClinVar:

ClinVar aggregate classification (germline): Uncertain significance (1 of 4 stars; one submission).

Conditions:
Fanconi anemia complementation group E (FANCE). Also called: FANCE-Related Fanconi Anemia. Identifiers: Orphanet 84, MedGen C3160739, MONDO:0010953, OMIM 600901.

Submission:

Labcorp Genetics (formerly Invitae), Labcorp
Classification: Uncertain significance for Fanconi anemia complementation group E. Last evaluated: 2020-10-25. Review status: criteria provided, single submitter. Criteria: Invitae Variant Classification Sherloc (09022015). Collection method: clinical testing. Allele origin: germline.
Comment: This sequence change replaces valine with methionine at codon 496 of the FANCE protein (p.Val496Met). The valine residue is highly conserved and there is a small physicochemical difference between valine and methionine. This variant is not present in population databases (ExAC no frequency). This variant has not been reported in the literature in individuals with FANCE-related conditions. Algorithms developed to predict the effect of missense changes on protein structure and function are either unavailable or do not agree on the potential impact of this missense change (SIFT: "Deleterious"; PolyPhen-2: "Possibly Damaging"; Align-GVGD: "Class C0"). In summary, the available evidence is currently insufficient to determine the role of this variant in disease. Therefore, it has been classified as a Variant of Uncertain Significance.

NM_021922.3(FANCE):c.1486G>A (p.Val496Met)

Gene: FANCE (FA complementation group E; plus strand). Cytogenetic location: 6p21.31.
Variant type: single nucleotide variant.
Coding change: c.1486G>A on transcript NM_021922.3 (MANE Select); coding-DNA position 1486, G replaced by A.
Protein change: p.Val496Met; replaces valine 496 with methionine.
Molecular consequence: missense variant.
Genome position (GRCh38, 1-based): chr6:35,462,891, G>A. VCF-style: chr6-35462891-G-A. GRCh37 (hg19) VCF-style: chr6-35430668-G-A.
Other names: short protein forms V496M.
Identifiers: ClinVar variation 1060753 (VCV001060753.9), dbSNP rs2150901627, ClinGen allele CA363778059.